The following is an entry in ClinVar:

NM_022916.6(VPS33A):c.1448C>T (p.Thr483Met)

Gene: VPS33A (VPS33A core subunit of CORVET and HOPS complexes; minus strand). Cytogenetic location: 12q24.31.
Variant type: single nucleotide variant.
Coding change: c.1448C>T on transcript NM_022916.6 (MANE Select); coding-DNA position 1448, C replaced by T.
Protein change: p.Thr483Met; replaces threonine 483 with methionine.
Molecular consequence: missense variant.
Genome position (GRCh38, 1-based): chr12:122,232,961, G>A on the plus strand (C>T on the coding strand, the complement: VPS33A is on the minus strand). VCF-style: chr12-122232961-G-A. GRCh37 (hg19) VCF-style: chr12-122717508-G-A.
Other names: c.1415C>T, p.Thr472Met (NM_001351018.2); c.1400C>T, p.Thr467Met (NM_001351019.2); c.1127C>T, p.Thr376Met (NM_001351020.2); c.1448C>T (NM_022916.4); short protein forms T376M, T467M, T483M, T472M.
Identifiers: ClinVar variation 1985106 (VCV001985106.5), dbSNP rs200119798, ClinGen allele CA244729157.

ClinVar aggregate classification (germline): Uncertain significance. Review status: criteria provided, multiple submitters, no conflicts (2 of 4 stars). 2 submissions from 2 submitters: Uncertain significance (2). Last evaluated 2025-09-11.

Allele frequency attached by ClinVar (database versions not stated): gnomAD exomes 0.00001.
gnomAD v4.1: 13 of 1,592,296 alleles (0.00082%); highest among the groups gnomAD compares: Admixed American, 0.007%; no homozygotes.

Submissions (2):

Ambry Genetics
Classification: Uncertain significance. Last evaluated: 2025-09-11. Review status: criteria provided, single submitter. Criteria: Ambry Variant Classification Scheme 2023. Collection method: clinical testing. Allele origin: germline.

Labcorp Genetics (formerly Invitae), Labcorp
Classification: Uncertain significance. Last evaluated: 2022-08-19. Review status: criteria provided, single submitter. Criteria: Invitae Variant Classification Sherloc (09022015). Collection method: clinical testing. Allele origin: germline.
Comment: This sequence change replaces threonine, which is neutral and polar, with methionine, which is neutral and non-polar, at codon 483 of the VPS33A protein (p.Thr483Met). The frequency data for this variant in the population databases is considered unreliable, as metrics indicate poor data quality at this position in the gnomAD database. This variant has not been reported in the literature in individuals affected with VPS33A-related conditions. Algorithms developed to predict the effect of missense changes on protein structure and function are either unavailable or do not agree on the potential impact of this missense change (SIFT: "Tolerated"; PolyPhen-2: "Possibly Damaging"; Align-GVGD: "Class C0"). In summary, the available evidence is currently insufficient to determine the role of this variant in disease. Therefore, it has been classified as a Variant of Uncertain Significance.